The following is an entry in ClinVar:

ClinVar aggregate classification (germline): Likely pathogenic (1 of 4 stars; one submission).

Conditions:
Mitochondrial DNA depletion syndrome 9 (MTDPS9). Also called: SUCLG1-Related Mitochondrial DNA Depletion Syndrome, Encephalomyopathic Form with Methylmalonic Aciduria. Identifiers: Orphanet 17, MedGen C3151476, MONDO:0009504, OMIM 245400.

gnomAD v4.1: 5 of 1,613,784 alleles (0.00031%); highest among the groups gnomAD compares: Non-Finnish European, 0.00042%; no homozygotes.

Submission:

Labcorp Genetics (formerly Invitae), Labcorp
Classification: Likely pathogenic for Mitochondrial DNA depletion syndrome 9. Last evaluated: 2023-03-29. Review status: criteria provided, single submitter. Criteria: Invitae Variant Classification Sherloc (09022015). Collection method: clinical testing. Allele origin: germline.
Comment: This sequence change affects a donor splice site in intron 6 of the SUCLG1 gene. It is expected to disrupt RNA splicing. Variants that disrupt the donor or acceptor splice site typically lead to a loss of protein function (PMID: 16199547), and loss-of-function variants in SUCLG1 are known to be pathogenic (PMID: 20693550). This variant is not present in population databases (gnomAD no frequency). This variant has not been reported in the literature in individuals affected with SUCLG1-related conditions. Algorithms developed to predict the effect of sequence changes on RNA splicing suggest that this variant may disrupt the consensus splice site. In summary, the currently available evidence indicates that the variant is pathogenic, but additional data are needed to prove that conclusively. Therefore, this variant has been classified as Likely Pathogenic.

Literature cited by the submitters: PubMed 16199547; PubMed 20693550.

NM_003849.4(SUCLG1):c.673+1G>C

Gene: SUCLG1 (succinate-CoA ligase GDP/ADP-forming subunit alpha; minus strand). Cytogenetic location: 2p11.2.
Variant type: single nucleotide variant.
Coding change: c.673+1G>C on transcript NM_003849.4 (MANE Select); the canonical splice donor site of the intron after coding-DNA position 673, G replaced by C.
Molecular consequence: splice donor variant.
Genome position (GRCh38, 1-based): chr2:84,433,351, C>G on the plus strand (G>C on the coding strand, the complement: SUCLG1 is on the minus strand). VCF-style: chr2-84433351-C-G. GRCh37 (hg19) VCF-style: chr2-84660475-C-G.
Identifiers: ClinVar variation 2850714 (VCV002850714.3), dbSNP rs2468620294, ClinGen allele CA347515218.